The following is an entry in ClinVar:

ClinVar aggregate classification (germline): Benign/Likely benign. Review status: criteria provided, multiple submitters, no conflicts (2 of 4 stars). 4 submissions from 4 submitters: Benign (1); Likely benign (3). Last evaluated 2025-08-01.

Allele frequency attached by ClinVar (database versions not stated): ExAC 0.00007; gnomAD exomes 0.00009 and 0.00034; 1000 Genomes Project 0.00040; 1000 Genomes Project 30x 0.00062; TOPMed 0.00081; gnomAD 0.00100 and 0.00104.
gnomAD v4.1: 278 of 1,604,174 alleles (0.017%); highest among the groups gnomAD compares: Admixed American, 0.44%; 6 homozygotes.

Submissions (4):

Labcorp Genetics (formerly Invitae), Labcorp
Classification: Benign. Last evaluated: 2025-08-01. Review status: criteria provided, single submitter. Criteria: Invitae Variant Classification Sherloc (09022015). Collection method: clinical testing. Allele origin: germline.

Blueprint Genetics
Classification: Likely benign. Last evaluated: 2024-06-10. Review status: criteria provided, single submitter. Criteria: ACMG Guidelines, 2015. Collection method: clinical testing. Allele origin: germline.

GeneDx
Classification: Likely benign. Last evaluated: 2021-06-05. Review status: criteria provided, single submitter. Criteria: GeneDx Variant Classification Process June 2021. Collection method: clinical testing. Allele origin: germline. Affected: yes.

Laboratory for Molecular Medicine, Mass General Brigham Personalized Medicine
Classification: Likely benign. Last evaluated: 2013-01-25. Review status: criteria provided, single submitter. Criteria: LMM Criteria. Collection method: clinical testing. Allele origin: germline. Observed: 1 variant allele.
Comment: 1233+14A>G in intron 11: This variant is not expected to have clinical significa nce because it is not located within the splice consensus sequence and it has be en identified in 2% (2/120) of Colombian chromosomes from the 1000 Genomes Seque ncing Project (dbSNP rs191459658)

NM_198999.3(SLC26A5):c.1233+14A>G

Gene: SLC26A5 (solute carrier family 26 member 5; minus strand). Cytogenetic location: 7q22.1.
Variant type: single nucleotide variant.
Coding change: c.1233+14A>G on transcript NM_198999.3 (MANE Select); 14 bases into the intron after coding-DNA position 1233, A replaced by G.
Molecular consequence: intron variant.
Genome position (GRCh38, 1-based): chr7:103,391,608, T>C on the plus strand (A>G on the coding strand, the complement: SLC26A5 is on the minus strand). VCF-style: chr7-103391608-T-C. GRCh37 (hg19) VCF-style: chr7-103032055-T-C.
Other names: c.971+6324A>G (NM_206885.3); c.1233+14A>G (NM_001321787.2, NM_206884.3, NM_206883.3 and 1 more transcripts).
Identifiers: ClinVar variation 48335 (VCV000048335.15), dbSNP rs191459658, ClinGen allele CA143203.